The following is an entry in ClinVar:

ClinVar aggregate classification (germline): Uncertain significance (1 of 4 stars; one submission).

Conditions:
Inborn genetic diseases. Identifiers: MedGen C0950123, MeSH D030342.

Submission:

Ambry Genetics
Classification: Uncertain significance for Inborn genetic diseases. Last evaluated: 2021-11-14. Review status: criteria provided, single submitter. Criteria: Ambry Variant Classification Scheme 2023. Collection method: clinical testing. Allele origin: germline.
Comment: The p.A242S variant (also known as c.724G>T), located in coding exon 7 of the MDH2 gene, results from a G to T substitution at nucleotide position 724. The alanine at codon 242 is replaced by serine, an amino acid with similar properties. This amino acid position is conserved. In addition, the in silico prediction for this alteration is inconclusive. Since supporting evidence is limited at this time, the clinical significance of this alteration remains unclear.

NM_005918.4(MDH2):c.724G>T (p.Ala242Ser)

Gene: MDH2 (malate dehydrogenase 2; plus strand). Cytogenetic location: 7q11.23.
Variant type: single nucleotide variant.
Coding change: c.724G>T on transcript NM_005918.4 (MANE Select); coding-DNA position 724, G replaced by T.
Protein change: p.Ala242Ser; replaces alanine 242 with serine.
Molecular consequence: missense variant.
Genome position (GRCh38, 1-based): chr7:76,064,429, G>T. VCF-style: chr7-76064429-G-T. GRCh37 (hg19) VCF-style: chr7-75693747-G-T.
Other names: c.598G>T, p.Ala200Ser (NM_001282403.2); c.403G>T, p.Ala135Ser (NM_001282404.2); short protein forms A135S, A242S, A200S.
Identifiers: ClinVar variation 1757915 (VCV001757915.2), dbSNP rs1554587487, ClinGen allele CA367767663.
Genomic context (GRCh38, chr7:76,064,429, plus strand): 5'-CAGCTGACAGCACTCACTGGGCGGATCCAGGAGGCCGGCACGGAGGTGGTCAAGGCTAAA[G>T]CCGGAGCAGGTAGAGTCTCAGGCAGCCCCGGGGCTGGGTGCCAGTGAGGCCCTGCGAGAG-3'
Protein context (NP_005909.2, residues 232-252): EAGTEVVKAK[Ala242Ser]GAGSATLSMA